The following is an entry in ClinVar:

NM_014231.5(VAMP1):c.146G>C (p.Arg49Pro)

Genes: TAPBPL (TAP binding protein like; plus strand), VAMP1 (vesicle associated membrane protein 1; minus strand). Cytogenetic location: 12p13.31.
Variant type: single nucleotide variant.
Coding change: c.146G>C on transcript NM_014231.5 (MANE Select); coding-DNA position 146, G replaced by C.
Protein change: p.Arg49Pro; replaces arginine 49 with proline.
Molecular consequence: missense variant. On other transcripts: non-coding transcript variant (1).
Genome position (GRCh38, 1-based): chr12:6,465,984, C>G on the plus strand (G>C on the coding strand, the complement: VAMP1 is on the minus strand). VCF-style: chr12-6465984-C-G. GRCh37 (hg19) VCF-style: chr12-6575150-C-G.
Other names: c.146G>C, p.Arg49Pro (NM_001297438.2, NM_016830.4, NM_199245.3); short protein forms R49P.
Identifiers: ClinVar variation 549692 (VCV000549692.3), dbSNP rs754046104, ClinGen allele CA6407696.
Genomic context (GRCh38, chr12:6,465,984, plus strand): 5'-GCTCGGTCATCCAGCTCTGACAGCTTCTGGTCCCTCTCCAGGACCTTGTCCACGTTCACA[C>G]GTATGATGTCCACCACCTGAGGAGGGCACAGAAACAAAGCAGCTAAGCTTCCTGCCAGAG-3'
Protein context (NP_055046.1, residues 39-59): AQVEEVVDII[Arg49Pro]VNVDKVLERD

ClinVar aggregate classification (germline): Uncertain significance. Review status: criteria provided, single submitter (1 of 4 stars). 3 submissions from 3 submitters: Uncertain significance (1). 2 of the submissions do not count toward it. Last evaluated 2024-11-05.

Conditions:
Spastic paraplegia. Identifiers: MedGen C0037772, HP:0001258.
Congenital myasthenic syndrome (CMS). Also called: Congenital Myasthenic Syndromes. Identifiers: Orphanet 590, MedGen C0751882, MeSH D020294, MONDO:0018940.
Myasthenic syndrome, congenital, 25, presynaptic. Also called: Myasthenic syndrome, congenital, 25. Identifiers: MedGen C5193027, MONDO:0032675, OMIM 618323.

Allele frequency attached by ClinVar (database versions not stated): TOPMed 0.00001.
gnomAD v4.1: 37 of 1,614,134 alleles (0.0023%); highest among the groups gnomAD compares: Non-Finnish European, 0.0031%; no homozygotes.

Submissions (3):

Labcorp Genetics (formerly Invitae), Labcorp
Classification: Uncertain significance for Spastic paraplegia. Last evaluated: 2024-11-05. Review status: criteria provided, single submitter. Criteria: Invitae Variant Classification Sherloc (09022015). Collection method: clinical testing. Allele origin: germline.
Comment: This sequence change replaces arginine, which is basic and polar, with proline, which is neutral and non-polar, at codon 49 of the VAMP1 protein (p.Arg49Pro). This variant is present in population databases (rs754046104, gnomAD 0.0009%). This missense change has been observed in individual(s) with congenital myasthenic syndrome (PMID: 28253535). It has also been observed to segregate with disease in related individuals. ClinVar contains an entry for this variant (Variation ID: 549692). An algorithm developed to predict the effect of missense changes on protein structure and function (PolyPhen-2) suggests that this variant is likely to be tolerated. In summary, the available evidence is currently insufficient to determine the role of this variant in disease. Therefore, it has been classified as a Variant of Uncertain Significance.

OMIM
Classification: Pathogenic for MYASTHENIC SYNDROME, CONGENITAL, 25, PRESYNAPTIC. Last evaluated: 2019-02-18. Review status: no assertion criteria provided. Collection method: literature only. Allele origin: germline. Not counted in ClinVar's aggregate classification.

Institute of Human Genetics, Cologne University
Classification: Pathogenic for Congenital myasthenic syndrome. Last evaluated: 2018-04-25. Review status: no assertion criteria provided. Collection method: clinical testing. Allele origin: germline. Affected: yes. Not counted in ClinVar's aggregate classification.

Literature cited by the submitters: PubMed 28253535 (cited by Labcorp Genetics (formerly Invitae), Labcorp and OMIM).